The following is an entry in ClinVar:

ClinVar aggregate classification (germline): Conflicting classifications of pathogenicity. Review status: criteria provided, conflicting classifications (1 of 4 stars). 2 submissions from 2 submitters: Uncertain significance (1); Likely benign (1). Last evaluated 2025-02-26.

Conditions:
Neuropathy, hereditary sensory, type 2C. Also called: KIF1A-Related HSAN2 (HSAN2C); Hereditary sensory and autonomic neuropathy type IIC. Identifiers: Orphanet 970, MedGen C3280168, MONDO:0013634, OMIM 614213.
Intellectual disability, autosomal dominant 9 (NESCAVS). Also called: KIF1A-Related Neurodevelopmental Disorder; NESCAV SYNDROME. Identifiers: Orphanet 662367, MedGen C5393830, MONDO:0013656, OMIM 614255.
Hereditary spastic paraplegia 30. Identifiers: Orphanet 101010, MedGen C5235139, MONDO:0012476.

Allele frequency attached by ClinVar (database versions not stated): ExAC 0.00003.
gnomAD v4.1: 33 of 1,612,348 alleles (0.002%); highest among the groups gnomAD compares: Admixed American, 0.005%; no homozygotes.

Submissions (2):

Labcorp Genetics (formerly Invitae), Labcorp
Classification: Likely benign for Hereditary spastic paraplegia 30; Neuropathy, hereditary sensory, type 2C; Intellectual disability, autosomal dominant 9. Last evaluated: 2025-02-26. Review status: criteria provided, single submitter. Criteria: Invitae Variant Classification Sherloc (09022015). Collection method: clinical testing. Allele origin: germline.

GeneDx
Classification: Uncertain significance. Last evaluated: 2021-06-17. Review status: criteria provided, single submitter. Criteria: GeneDx Variant Classification Process June 2021. Collection method: clinical testing. Allele origin: germline. Affected: yes.
Comment: In silico analysis supports that this missense variant has a deleterious effect on protein structure/function; Has not been previously published as pathogenic or benign to our knowledge; This variant is associated with the following publications: (PMID: 27535533)

NM_001244008.2(KIF1A):c.5086C>A (p.Arg1696Ser)

Gene: KIF1A (kinesin family member 1A; minus strand). Cytogenetic location: 2q37.3.
Variant type: single nucleotide variant.
Coding change: c.5086C>A on transcript NM_001244008.2 (MANE Select); coding-DNA position 5086, C replaced by A.
Protein change: p.Arg1696Ser; replaces arginine 1696 with serine.
Molecular consequence: missense variant.
Genome position (GRCh38, 1-based): chr2:240,719,134, G>T on the plus strand (C>A on the coding strand, the complement: KIF1A is on the minus strand). VCF-style: chr2-240719134-G-T. GRCh37 (hg19) VCF-style: chr2-241658551-G-T.
Other names: c.4810C>A, p.Arg1604Ser (NM_001320705.2, NM_001379649.1); c.4837C>A, p.Arg1613Ser (NM_001330289.2); c.4885C>A, p.Arg1629Ser (NM_001330290.2, NM_001379648.1); c.5161C>A, p.Arg1721Ser (NM_001379631.1); c.5062C>A, p.Arg1688Ser (NM_001379632.1); c.5059C>A, p.Arg1687Ser (NM_001379633.1, NM_001379645.1); c.4912C>A, p.Arg1638Ser (NM_001379634.1); c.4909C>A, p.Arg1637Ser (NM_001379635.1, NM_001379646.1); and 7 more; short protein forms R1594S, R1595S, R1603S, R1604S, R1612S, R1613S, R1620S, R1629S.
Identifiers: ClinVar variation 1328855 (VCV001328855.9), dbSNP rs772521110, ClinGen allele CA2207180.